The following is an entry in ClinVar:

ClinVar aggregate classification (germline): Pathogenic (1 of 4 stars; one submission).

Conditions:
Benign neonatal seizures. Also called: Convulsions benign familial neonatal dominant form; Autosomal dominant form of benign neonatal seizures; Benign neonatal familial convulsions; Benign familial neonatal seizures; Benign familial neonatal epilepsy. Identifiers: Orphanet 1949, MedGen C0220669, MONDO:0016027.

Submission:

Labcorp Genetics (formerly Invitae), Labcorp
Classification: Pathogenic for Benign neonatal seizures. Last evaluated: 2025-06-27. Review status: criteria provided, single submitter. Criteria: Invitae Variant Classification Sherloc (09022015). Collection method: clinical testing. Allele origin: germline.
Comment: This sequence change creates a premature translational stop signal (p.Asn27Glufs*73) in the KCNQ3 gene. It is expected to result in an absent or disrupted protein product. Loss-of-function variants in KCNQ3 are known to be pathogenic (PMID: 29383681, 29852413). This variant is not present in population databases (gnomAD no frequency). This variant has not been reported in the literature in individuals affected with KCNQ3-related conditions. For these reasons, this variant has been classified as Pathogenic.

Literature cited by the submitters: PubMed 29383681; PubMed 29852413.

NM_004519.4(KCNQ3):c.61_77dup (p.Asn27fs)

Gene: KCNQ3 (potassium voltage-gated channel subfamily Q member 3; minus strand). Cytogenetic location: 8q24.22.
Variant type: Duplication.
Coding change: c.61_77dup on transcript NM_004519.4 (MANE Select); coding-DNA positions 61 to 77, 17 bases duplicated (GGAGGCGGCGGGGCGGC).
Protein change: p.Asn27fs; shifts the reading frame from asparagine 27.
Molecular consequence: frameshift variant.
Genome position (GRCh38, 1-based): chr8:132,480,456-132,480,472, GCCGCCCCGCCGCCTCC duplicated on the plus strand (GGAGGCGGCGGGGCGGC on the coding strand, the reverse complement: KCNQ3 is on the minus strand); duplicating any 17 consecutive bases within chr8:132,480,456-132,480,480 gives the same sequence; the c. name uses the placement nearest the transcript's 3' end. VCF-style (leftmost placement, unchanged base first): chr8-132480455-A-AGCCGCCCCGCCGCCTCC. GRCh37 (hg19) VCF-style: chr8-133492702-A-AGCCGCCCCGCCGCCTCC.
Other names: short protein forms N27fs.
Identifiers: ClinVar variation 4719410 (VCV004719410.1).